The following is an entry in ClinVar:

ClinVar aggregate classification (germline): Uncertain significance (1 of 4 stars; one submission).

Conditions:
Hypertrophic cardiomyopathy 14. Identifiers: MedGen C2750467, MONDO:0013197, OMIM 613251.

gnomAD v4.1: 5 of 1,613,802 alleles (0.00031%); highest among the groups gnomAD compares: Non-Finnish European, 0.00042%; no homozygotes.

Submission:

Labcorp Genetics (formerly Invitae), Labcorp
Classification: Uncertain significance for Hypertrophic cardiomyopathy 14. Last evaluated: 2022-08-30. Review status: criteria provided, single submitter. Criteria: Invitae Variant Classification Sherloc (09022015). Collection method: clinical testing. Allele origin: germline.
Comment: This sequence change replaces arginine, which is basic and polar, with serine, which is neutral and polar, at codon 1374 of the MYH6 protein (p.Arg1374Ser). This variant is not present in population databases (gnomAD no frequency). This variant has not been reported in the literature in individuals affected with MYH6-related conditions. Algorithms developed to predict the effect of missense changes on protein structure and function are either unavailable or do not agree on the potential impact of this missense change (SIFT: "Tolerated"; PolyPhen-2: "Probably Damaging"; Align-GVGD: "Class C0"). In summary, the available evidence is currently insufficient to determine the role of this variant in disease. Therefore, it has been classified as a Variant of Uncertain Significance.

NM_002471.4(MYH6):c.4122G>T (p.Arg1374Ser)

Gene: MYH6 (myosin heavy chain 6; minus strand). Cytogenetic location: 14q11.2.
Variant type: single nucleotide variant.
Coding change: c.4122G>T on transcript NM_002471.4 (MANE Select); coding-DNA position 4122, G replaced by T.
Protein change: p.Arg1374Ser; replaces arginine 1374 with serine.
Molecular consequence: missense variant.
Genome position (GRCh38, 1-based): chr14:23,388,912, C>A on the plus strand (G>T on the coding strand, the complement: MYH6 is on the minus strand). VCF-style: chr14-23388912-C-A. GRCh37 (hg19) VCF-style: chr14-23858121-C-A.
Other names: short protein forms R1374S.
Identifiers: ClinVar variation 1982727 (VCV001982727.4), dbSNP rs781616503, ClinGen allele CA389001707.